The following is an entry in ClinVar:

ClinVar aggregate classification (germline): Conflicting classifications of pathogenicity. Review status: criteria provided, conflicting classifications (1 of 4 stars). 3 submissions from 3 submitters: Uncertain significance (1); Likely benign (2). Last evaluated 2025-12-19.

Conditions:
X-linked intellectual disability, Cantagrel type (XLID98). Also called: INTELLECTUAL DEVELOPMENTAL DISORDER, X-LINKED 98. Identifiers: Orphanet 85277, MedGen C3806730, MONDO:0010483, OMIM 300912.

Allele frequency attached by ClinVar (database versions not stated): gnomAD exomes 0.00004; ExAC 0.00005; TOPMed 0.00009; gnomAD 0.00014 and 0.00016; ESP Exome Variant Server 0.00019.
gnomAD v4.1: 26 of 1,209,598 alleles (0.0021%); highest among the groups gnomAD compares: African/African-American, 0.04%; no homozygotes.

Submissions (3):

Labcorp Genetics (formerly Invitae), Labcorp
Classification: Likely benign. Last evaluated: 2025-12-19. Review status: criteria provided, single submitter. Criteria: Invitae Variant Classification Sherloc (09022015). Collection method: clinical testing. Allele origin: germline.

Ambry Genetics
Classification: Likely benign. Last evaluated: 2023-04-26. Review status: criteria provided, single submitter. Criteria: Ambry Variant Classification Scheme 2023. Collection method: clinical testing. Allele origin: germline.

Center for Genomics, Ann and Robert H. Lurie Children's Hospital of Chicago
Classification: Uncertain significance for X-linked intellectual disability, Cantagrel type. Last evaluated: 2021-03-30. Review status: criteria provided, single submitter. Criteria: ACMG Guidelines, 2015. Collection method: clinical testing. Allele origin: germline.
Comment: KIAA2022 NM_001008537 exon 3 p.Ile105Leu (c.313A>C): This variant has not been reported in the literature but is present in 6/18099 African individuals including 2 hemizygotes in the Genome Aggregation Database. Evolutionary conservation and computational predictive tools suggest that this variant may not impact the protein. In summary, data on this variant is insufficient for disease classification. Therefore, the clinical significance of this variant is uncertain.

NM_001008537.3(NEXMIF):c.313A>C (p.Ile105Leu)

Gene: NEXMIF (neurite extension and migration factor; minus strand). Cytogenetic location: Xq13.3.
Variant type: single nucleotide variant.
Coding change: c.313A>C on transcript NM_001008537.3 (MANE Select); coding-DNA position 313, A replaced by C.
Protein change: p.Ile105Leu; replaces isoleucine 105 with leucine.
Molecular consequence: missense variant.
Genome position (GRCh38, 1-based): chrX:74,744,244, T>G on the plus strand (A>C on the coding strand, the complement: NEXMIF is on the minus strand). VCF-style: chrX-74744244-T-G. GRCh37 (hg19) VCF-style: chrX-73964079-T-G.
Other names: c.313A>C (NM_001008537.2); short protein forms I105L.
Identifiers: ClinVar variation 1154321 (VCV001154321.13), dbSNP rs141738108, ClinGen allele CA10455229.